The following is an entry in ClinVar:

NM_003060.4(SLC22A5):c.1304del (p.Gly435fs)

Gene: SLC22A5 (solute carrier family 22 member 5; plus strand). Cytogenetic location: 5q31.1.
Variant type: Deletion.
Coding change: c.1304del on transcript NM_003060.4 (MANE Select); coding-DNA position 1304, one base deleted (G; older notation c.1304delG).
Protein change: p.Gly435fs; shifts the reading frame from glycine 435.
Molecular consequence: frameshift variant.
Genome position (GRCh38, 1-based): chr5:132,392,469, G deleted; the last of 3 consecutive G bases (chr5:132,392,467-132,392,469); deleting any one gives the same sequence. VCF-style (leftmost placement, unchanged base first): chr5-132392466-TG-T. GRCh37 (hg19) VCF-style: chr5-131728158-TG-T.
Other names: c.1376del, p.Gly459fs (NM_001308122.2); short protein forms G459fs, G435fs.
Identifiers: ClinVar variation 6418 (VCV000006418.10), dbSNP rs386134217, ClinGen allele CA340583.

ClinVar aggregate classification (germline): Pathogenic. Review status: criteria provided, multiple submitters, no conflicts (2 of 4 stars). 3 submissions from 3 submitters: Pathogenic (2). 1 of the submissions does not count toward it. Last evaluated 2026-01-19.

Conditions:
Renal carnitine transport defect (CDSP). Also called: Primary carnitine deficiency; CARNITINE DEFICIENCY, SYSTEMIC, DUE TO DEFECT IN RENAL REABSORPTION OF CARNITINE; CARNITINE TRANSPORTER, PLASMA-MEMBRANE, DEFICIENCY OF; CARNITINE UPTAKE DEFECT; Carnitine transporter deficiency; Carnitine Deficiency, Systemic. Identifiers: Orphanet 158, MedGen C0342788, MONDO:0008919, OMIM 212140.

Submissions (3):

Labcorp Genetics (formerly Invitae), Labcorp
Classification: Pathogenic for Renal carnitine transport defect. Last evaluated: 2026-01-19. Review status: criteria provided, single submitter. Criteria: Invitae Variant Classification Sherloc (09022015). Collection method: clinical testing. Allele origin: germline.
Comment: This sequence change creates a premature translational stop signal (p.Gly435Alafs*24) in the SLC22A5 gene. It is expected to result in an absent or disrupted protein product. Loss-of-function variants in SLC22A5 are known to be pathogenic (PMID: 9916797). This variant is not present in population databases (gnomAD no frequency). This premature translational stop signal has been observed in individual(s) with primary carnitine deficiency (PMID: 10051646). This variant is also known as 1302del and 458X. ClinVar contains an entry for this variant (Variation ID: 6418). For these reasons, this variant has been classified as Pathogenic.

Baylor Genetics
Classification: Pathogenic for Renal carnitine transport defect. Last evaluated: 2022-08-24. Review status: criteria provided, single submitter. Criteria: ACMG Guidelines, 2015. Collection method: clinical testing. Allele origin: unknown.

OMIM
Classification: Pathogenic for CARNITINE DEFICIENCY, SYSTEMIC PRIMARY. Last evaluated: 1999-03-02. Review status: no assertion criteria provided. Collection method: literature only. Allele origin: germline. Not counted in ClinVar's aggregate classification.

Literature cited by the submitters: PubMed 9916797 (cited by Labcorp Genetics (formerly Invitae), Labcorp); PubMed 10051646 (cited by Labcorp Genetics (formerly Invitae), Labcorp and OMIM).